The following is an entry in ClinVar:

ClinVar aggregate classification (germline): Likely benign. Review status: criteria provided, multiple submitters, no conflicts (2 of 4 stars). 2 submissions from 2 submitters: Likely benign (2). Last evaluated 2026-01-25.

Allele frequency attached by ClinVar (database versions not stated): gnomAD exomes 0.00007; gnomAD 0.00009; TOPMed 0.00012; ExAC 0.00015.
gnomAD v4.1: 124 of 1,613,506 alleles (0.0077%); highest among the groups gnomAD compares: East Asian, 0.26%; no homozygotes.

Submissions (2):

Labcorp Genetics (formerly Invitae), Labcorp
Classification: Likely benign. Last evaluated: 2026-01-25. Review status: criteria provided, single submitter. Criteria: Invitae Variant Classification Sherloc (09022015). Collection method: clinical testing. Allele origin: germline.

CeGaT Center for Human Genetics Tuebingen
Classification: Likely benign. Last evaluated: 2022-12-01. Review status: criteria provided, single submitter. Criteria: CeGaT Center For Human Genetics Tuebingen Variant Classification Criteria Version 2. Collection method: clinical testing. Allele origin: germline. Affected: yes. Observed: 1 variant allele.
Comment: BPTF: BP4, BS1

NM_182641.4(BPTF):c.3629G>C (p.Gly1210Ala)

Gene: BPTF (bromodomain PHD finger transcription factor; plus strand). Cytogenetic location: 17q24.2.
Variant type: single nucleotide variant.
Coding change: c.3629G>C on transcript NM_182641.4 (MANE Select); coding-DNA position 3629, G replaced by C.
Protein change: p.Gly1210Ala; replaces glycine 1210 with alanine.
Molecular consequence: missense variant.
Genome position (GRCh38, 1-based): chr17:67,911,513, G>C. VCF-style: chr17-67911513-G-C. GRCh37 (hg19) VCF-style: chr17-65907629-G-C.
Other names: c.4007G>C, p.Gly1336Ala (NM_004459.7); short protein forms G1210A, G1336A.
Identifiers: ClinVar variation 2648132 (VCV002648132.27), dbSNP rs371357766, ClinGen allele CA8725663.